The following is an entry in ClinVar:

NM_003482.4(KMT2D):c.4413C>G (p.Cys1471Trp)

Gene: KMT2D (lysine methyltransferase 2D; minus strand). Cytogenetic location: 12q13.12.
Variant type: single nucleotide variant.
Coding change: c.4413C>G on transcript NM_003482.4 (MANE Select); coding-DNA position 4413, C replaced by G.
Protein change: p.Cys1471Trp; replaces cysteine 1471 with tryptophan.
Molecular consequence: missense variant.
Genome position (GRCh38, 1-based): chr12:49,046,614, G>C on the plus strand (C>G on the coding strand, the complement: KMT2D is on the minus strand). VCF-style: chr12-49046614-G-C. GRCh37 (hg19) VCF-style: chr12-49440397-G-C.
Other names: short protein forms C1471W.
Identifiers: ClinVar variation 2582087 (VCV002582087.3), dbSNP rs747889445, ClinGen allele CA384646467.

ClinVar aggregate classification (germline): Pathogenic. Review status: criteria provided, multiple submitters, no conflicts (2 of 4 stars). 2 submissions from 2 submitters: Pathogenic (2). Last evaluated 2024-11-05.

Conditions:
Kabuki syndrome. Also called: NIIKAWA-KUROKI SYNDROME; Kabuki make-up syndrome. Identifiers: Orphanet 2322, MedGen C0796004, MONDO:0016512.

Submissions (2):

Labcorp Genetics (formerly Invitae), Labcorp
Classification: Pathogenic for Kabuki syndrome. Last evaluated: 2024-11-05. Review status: criteria provided, single submitter. Criteria: Invitae Variant Classification Sherloc (09022015). Collection method: clinical testing. Allele origin: germline.
Comment: This sequence change replaces cysteine, which is neutral and slightly polar, with tryptophan, which is neutral and slightly polar, at codon 1471 of the KMT2D protein (p.Cys1471Trp). This variant is not present in population databases (gnomAD no frequency). This missense change has been observed in individual(s) with Kabuki syndrome (PMID: 27302555; internal data). In at least one individual the variant was observed to be de novo. ClinVar contains an entry for this variant (Variation ID: 2582087). Invitae Evidence Modeling of protein sequence and biophysical properties (such as structural, functional, and spatial information, amino acid conservation, physicochemical variation, residue mobility, and thermodynamic stability) indicates that this missense variant is expected to disrupt KMT2D protein function with a positive predictive value of 95%. For these reasons, this variant has been classified as Pathogenic.

GeneDx
Classification: Pathogenic. Last evaluated: 2023-03-20. Review status: criteria provided, single submitter. Criteria: GeneDx Variant Classification Process June 2021. Collection method: clinical testing. Allele origin: germline. Affected: yes.
Comment: Not observed at significant frequency in large population cohorts (gnomAD); In silico analysis supports that this missense variant has a deleterious effect on protein structure/function; This variant is associated with the following publications: (PMID: 27302555)

Literature cited by the submitters: PubMed 27302555 (cited by Labcorp Genetics (formerly Invitae), Labcorp).